The following is an entry in ClinVar:

NM_001005373.4(LRSAM1):c.1088+1G>C

Gene: LRSAM1 (leucine rich repeat and sterile alpha motif containing 1; plus strand). Cytogenetic location: 9q33.3.
Variant type: single nucleotide variant.
Coding change: c.1088+1G>C on transcript NM_001005373.4 (MANE Select); the canonical splice donor site of the intron after coding-DNA position 1088, G replaced by C.
Molecular consequence: splice donor variant.
Genome position (GRCh38, 1-based): chr9:127,481,228, G>C. VCF-style: chr9-127481228-G-C. GRCh37 (hg19) VCF-style: chr9-130243507-G-C.
Other names: c.1088+1G>C (NM_138361.5, NM_001384142.1, NM_001384143.1 and 2 more transcripts); c.299+1G>C (NM_001384144.1).
Identifiers: ClinVar variation 656990 (VCV000656990.14), dbSNP rs765641195, ClinGen allele CA5246824.

ClinVar aggregate classification (germline): Conflicting classifications of pathogenicity. Review status: criteria provided, conflicting classifications (1 of 4 stars). 4 submissions from 4 submitters: Likely pathogenic (2); Uncertain significance (2). Last evaluated 2026-04-06.

Conditions:
LRSAM1-related disorder. Also called: LRSAM1-related condition.
Charcot-Marie-Tooth disease axonal type 2P. Also called: Charcot-Marie-Tooth Neuropathy Type 2G; CHARCOT-MARIE-TOOTH NEUROPATHY, TYPE 2P; CHARCOT-MARIE-TOOTH DISEASE, AXONAL, TYPE 2G; CMT 2G. Identifiers: Orphanet 300319, Orphanet 99941, MedGen C3280797, MONDO:0013753, OMIM 614436.

Allele frequency attached by ClinVar (database versions not stated): TOPMed 0.00001; gnomAD exomes 0.00002 and 0.00014; ExAC 0.00017.
gnomAD v4.1: 34 of 1,612,846 alleles (0.0021%); highest among the groups gnomAD compares: Admixed American, 0.053%; no homozygotes.

Submissions (4):

PreventionGenetics, part of Exact Sciences
Classification: Likely pathogenic for LRSAM1-related condition. Last evaluated: 2026-04-06. Review status: criteria provided, single submitter. Criteria: ACMG Guidelines, 2015. Collection method: clinical testing. Allele origin: germline.
Comment: The LRSAM1 c.1088+1G>C variant is predicted to disrupt the GT donor site and interfere with normal splicing. To our knowledge, this variant has not been reported in the literature. This variant is reported in 0.078% of alleles in individuals of Latino descent in gnomAD. Variants that disrupt the consensus splice donor site in LRSAM1 are expected to be pathogenic (e.g. Guernsey et al. 2010. PubMed ID: 20865121). This variant is interpreted as likely pathogenic for autosomal recessive LRSAM1-related disorders.

Labcorp Genetics (formerly Invitae), Labcorp
Classification: Likely pathogenic for Charcot-Marie-Tooth disease axonal type 2P. Last evaluated: 2024-08-06. Review status: criteria provided, single submitter. Criteria: Invitae Variant Classification Sherloc (09022015). Collection method: clinical testing. Allele origin: germline.
Comment: This sequence change affects a donor splice site in intron 14 of the LRSAM1 gene. It is expected to disrupt RNA splicing. Variants that disrupt the donor or acceptor splice site typically lead to a loss of protein function (PMID: 16199547), and loss-of-function variants in LRSAM1 are known to be pathogenic (PMID: 20865121, 33414056). This variant is present in population databases (rs765641195, gnomAD 0.07%). This variant has not been reported in the literature in individuals affected with LRSAM1-related conditions. ClinVar contains an entry for this variant (Variation ID: 656990). Algorithms developed to predict the effect of sequence changes on RNA splicing suggest that this variant may disrupt the consensus splice site. In summary, the currently available evidence indicates that the variant is pathogenic, but additional data are needed to prove that conclusively. Therefore, this variant has been classified as Likely Pathogenic.

GeneDx
Classification: Uncertain significance. Last evaluated: 2023-06-27. Review status: criteria provided, single submitter. Criteria: GeneDx Variant Classification Process June 2021. Collection method: clinical testing. Allele origin: germline. Affected: yes.
Comment: Canonical splice site variant in a gene or region of a gene for which loss of function is not a well-established mechanism of disease; Has not been previously published as pathogenic or benign to our knowledge

Mayo Clinic Laboratories, Mayo Clinic
Classification: Uncertain significance. Last evaluated: 2019-11-18. Review status: criteria provided, single submitter. Criteria: ACMG Guidelines, 2015. Collection method: clinical testing. Allele origin: germline.

Literature cited by the submitters: PubMed 16199547 (cited by Labcorp Genetics (formerly Invitae), Labcorp); PubMed 20865121 (cited by Labcorp Genetics (formerly Invitae), Labcorp); PubMed 33414056 (cited by Labcorp Genetics (formerly Invitae), Labcorp).